The following is an entry in ClinVar:

NM_000448.3(RAG1):c.486T>A (p.Asp162Glu)

Gene: RAG1 (recombination activating 1; plus strand). Cytogenetic location: 11p12.
Variant type: single nucleotide variant.
Coding change: c.486T>A on transcript NM_000448.3 (MANE Select); coding-DNA position 486, T replaced by A.
Protein change: p.Asp162Glu; replaces aspartic acid 162 with glutamic acid.
Molecular consequence: missense variant.
Genome position (GRCh38, 1-based): chr11:36,573,790, T>A. VCF-style: chr11-36573790-T-A. GRCh37 (hg19) VCF-style: chr11-36595340-T-A.
Other names: NM_000448.3(RAG1):c.486T>A; p.Asp162Glu; c.486T>A, p.Asp162Glu (NM_001377277.1, NM_001377278.1, NM_001377279.1 and 1 more transcripts); short protein forms D162E.
Identifiers: ClinVar variation 879138 (VCV000879138.13), dbSNP rs753042511, ClinGen allele CA5949991.

ClinVar aggregate classification (germline): Likely benign. Review status: reviewed by expert panel (3 of 4 stars). 4 submissions from 3 submitters: Likely benign (1). 3 of the submissions do not count toward it. Last evaluated 2024-02-07.

Conditions:
Recombinase activating gene 1 deficiency. Identifiers: MedGen CN375631, MONDO:0000572.
Severe combined immunodeficiency, autosomal recessive, T cell-negative, B cell-negative, NK cell-positive. Also called: Severe combined immunodeficiency due to complete RAG1/2 deficiency; SCID, AR, T-cell negative, B-cell negative, NK cell-positive; SCID, T CELL-NEGATIVE, B CELL-NEGATIVE, NK CELL-POSITIVE. Identifiers: Orphanet 331206, MedGen C1832322, MONDO:0011086, OMIM 601457.
Histiocytic medullary reticulosis. Also called: Omenn syndrome; SEVERE COMBINED IMMUNODEFICIENCY WITH HYPEREOSINOPHILIA. Identifiers: Orphanet 39041, MedGen C2700553, MONDO:0011338, OMIM 603554.
Combined immunodeficiency with skin granulomas. Identifiers: Orphanet 157949, MedGen C2673536, MONDO:0009306, OMIM 233650.

Allele frequency attached by ClinVar (database versions not stated): gnomAD 0.00004 and 0.00008; TOPMed 0.00013.
gnomAD v4.1: 126 of 1,614,122 alleles (0.0078%); highest among the groups gnomAD compares: East Asian, 0.25%; 2 homozygotes.

Submissions (4):

ClinGen Severe Combined Immunodeficiency Variant Curation Expert Panel, ClinGen
Classification: Likely benign for Recombinase activating gene 1 deficiency. Last evaluated: 2024-02-07. Review status: reviewed by expert panel. Criteria: ClinGen SCID ACMG Specifications RAG1 V1.0.0. Collection method: curation. Allele origin: germline. Inheritance: Autosomal recessive inheritance.
Comment: NM_000448.3(RAG1):c.486T>A is a missense variant predicted to cause substitution of Aspartic Acid by Glutamic Acid at amino acid 162 (p.Asp162Glu). The filtering allele frequency (the upper threshold of the 95% CI of 113/44866 of the c.486T>A variant in RAG1 is 0.002166 for East Asian population, which is higher than the ClinGen SCID VCEP threshold (>0.001951) for BS1, and therefore meets this criterion (BS1). There are no publications for this variant in the literature. As per SCID VCEP specifications 1 Strong criteria is enough to reach Likely Benign classification. In summary, this variant meets the criteria to be classified as Likely Benign variant for autosomal recessive severe combined immunodeficiency due to RAG1 deficiency based on the ACMG/AMP criteria applied, as specified by the ClinGen SCID VCEP: BS1 (VCEP specifications version 1).

Labcorp Genetics (formerly Invitae), Labcorp
Classification: Likely benign for Combined immunodeficiency with skin granulomas; Severe combined immunodeficiency, autosomal recessive, T cell-negative, B cell-negative, NK cell-positive. Last evaluated: 2026-01-05. Review status: criteria provided, single submitter. Criteria: Invitae Variant Classification Sherloc (09022015). Collection method: clinical testing. Allele origin: germline. Not counted in ClinVar's aggregate classification.

Illumina Laboratory Services, Illumina
Classification: Uncertain significance for Severe combined immunodeficiency, autosomal recessive, T cell-negative, B cell-negative, NK cell-positive. Last evaluated: 2017-04-27. Review status: criteria provided, single submitter. Criteria: ICSL Variant Classification Criteria 13 December 2019. Collection method: clinical testing. Allele origin: germline. Not counted in ClinVar's aggregate classification.

Illumina Laboratory Services, Illumina
Classification: Uncertain significance for Histiocytic medullary reticulosis. Last evaluated: 2017-04-27. Review status: criteria provided, single submitter. Criteria: ICSL Variant Classification Criteria 13 December 2019. Collection method: clinical testing. Allele origin: germline. Not counted in ClinVar's aggregate classification.